The following is an entry in ClinVar:

ClinVar aggregate classification (germline): Pathogenic (1 of 4 stars; one submission).

Submission:

Labcorp Genetics (formerly Invitae), Labcorp
Classification: Pathogenic. Last evaluated: 2022-03-22. Review status: criteria provided, single submitter. Criteria: Invitae Variant Classification Sherloc (09022015). Collection method: clinical testing. Allele origin: germline.
Comment: For these reasons, this variant has been classified as Pathogenic. This variant has not been reported in the literature in individuals affected with PLD1-related conditions. This variant is a gross deletion of the genomic region encompassing exon(s) 13-21 of the PLD1 gene. This deletion is out-of-frame, and is expected to create a premature termination codon and result in an absent or disrupted protein product. Loss-of-function variants in PLD1 are known to be pathogenic (PMID: 27799408).

Literature cited by the submitters: PubMed 27799408.

NC_000003.11:g.(?_171376983)_(171410252_?)del

Gene: PLD1 (phospholipase D1; minus strand). Cytogenetic location: 3q26.31.
Variant type: Deletion.
Identifiers: ClinVar variation 2424512 (VCV002424512.4).